The following is an entry in ClinVar:

NM_032043.3(BRIP1):c.1176A>G (p.Leu392=)

Gene: BRIP1 (BRCA1 interacting DNA helicase 1; minus strand). Cytogenetic location: 17q23.2.
Variant type: single nucleotide variant.
Coding change: c.1176A>G on transcript NM_032043.3 (MANE Select); coding-DNA position 1176, A replaced by G.
Protein change: p.Leu392=; no amino-acid change (leucine 392 retained).
Molecular consequence: synonymous variant.
Genome position (GRCh38, 1-based): chr17:61,799,264, T>C on the plus strand (A>G on the coding strand, the complement: BRIP1 is on the minus strand). VCF-style: chr17-61799264-T-C. GRCh37 (hg19) VCF-style: chr17-59876625-T-C.
Identifiers: ClinVar variation 186622 (VCV000186622.38), dbSNP rs550092661, ClinGen allele CA195360.
Genomic context (GRCh38, chr17:61,799,264, plus strand): 5'-TTCTGTTACACTGTAACTTGCTGATTCCCGAGCACAGTCCTCGATGTTATGAGCTTCATC[T>C]AAAATGACAACCTGTTCTTTCAGATTTAAATCCATCTATAAGATAAAAGAATTTTCTTGT-3'
Protein context (NP_114432.2, residues 382-402): DLNLKEQVVI[Leu392=]DEAHNIEDCA

ClinVar aggregate classification (germline): Benign/Likely benign. Review status: criteria provided, multiple submitters, no conflicts (2 of 4 stars). 15 submissions from 15 submitters: Benign (1); Likely benign (14). Last evaluated 2026-06-05.

Conditions:
BRIP1-related disorder. Also called: BRIP1-related condition; BRIP1-related disorders. Identifiers: MedGen CN239206.
Breast and/or ovarian cancer. Identifiers: MedGen CN221562.
Hereditary cancer-predisposing syndrome. Also called: Tumor predisposition; Neoplastic Syndromes, Hereditary; Hereditary Cancer Syndrome; Hereditary neoplastic syndrome. Identifiers: Orphanet 140162, MedGen C0027672, MeSH D009386, MONDO:0015356.
Fanconi anemia complementation group J. Also called: BRIP1-Related Fanconi Anemia. Identifiers: Orphanet 84, MedGen C1836860, MONDO:0012187, OMIM 609054.
Familial cancer of breast. Also called: hereditary breast carcinoma; BREAST CANCER, FAMILIAL; Hereditary breast cancer. Identifiers: Orphanet 227535, MedGen C0346153, MONDO:0016419, OMIM 114480. Disease mechanism: loss of function.
Hereditary breast ovarian cancer syndrome. Also called: Hereditary breast and ovarian cancer; Hereditary breast and ovarian cancer syndrome (HBOC); Breast and ovarian cancer; Hereditary breast and/or ovarian cancer syndrome; BRCA1- and BRCA2-Associated Hereditary Breast and Ovarian Cancer; Hereditary breast and ovarian cancer syndrome. Identifiers: Orphanet 145, MedGen C0677776, MeSH D061325, MONDO:0003582. Disease mechanism: loss of function.

Allele frequency attached by ClinVar (database versions not stated): gnomAD 0.00001; TOPMed 0.00001; gnomAD exomes 0.00004 and 0.00006; ExAC 0.00007; 1000 Genomes Project 30x 0.00016; 1000 Genomes Project 0.00020.
gnomAD v4.1: 62 of 1,613,366 alleles (0.0038%); highest among the groups gnomAD compares: South Asian, 0.044%; no homozygotes.

Submissions (15):

PreventionGenetics, part of Exact Sciences
Classification: Likely benign for BRIP1-related condition. Last evaluated: 2026-06-05. Review status: criteria provided, single submitter. Criteria: ACMG Guidelines, 2015. Collection method: clinical testing. Allele origin: germline.
Comment: This variant is classified as likely benign based on ACMG/AMP sequence variant interpretation guidelines (Richards et al. 2015 PMID: 25741868, with internal and published modifications).

Labcorp Genetics (formerly Invitae), Labcorp
Classification: Likely benign for Familial cancer of breast; Fanconi anemia complementation group J. Last evaluated: 2025-12-01. Review status: criteria provided, single submitter. Criteria: Invitae Variant Classification Sherloc (09022015). Collection method: clinical testing. Allele origin: germline.

Quest Diagnostics Nichols Institute San Juan Capistrano
Classification: Likely benign. Last evaluated: 2025-08-12. Review status: criteria provided, single submitter. Criteria: Quest Diagnostics criteria. Collection method: clinical testing. Allele origin: unknown.

CeGaT Center for Human Genetics Tuebingen
Classification: Likely benign. Last evaluated: 2025-06-01. Review status: criteria provided, single submitter. Criteria: CeGaT Center For Human Genetics Tuebingen Variant Classification Criteria Version 2. Collection method: clinical testing. Allele origin: germline. Affected: yes. Observed: 1 variant allele.
Comment: BRIP1: BP4, BP7

Laboratory of Genetics, Children's Clinical University Hospital Latvia
Classification: Likely benign. Last evaluated: 2025-02-16. Review status: criteria provided, single submitter. Criteria: ACMG Guidelines, 2015. Collection method: clinical testing. Allele origin: germline. Affected: yes.

Blueprint Genetics
Classification: Likely benign. Last evaluated: 2024-10-09. Review status: criteria provided, single submitter. Criteria: ACMG Guidelines, 2015. Collection method: clinical testing. Allele origin: germline.

Myriad Genetics, Inc.
Classification: Benign for Familial cancer of breast. Last evaluated: 2024-08-26. Review status: criteria provided, single submitter. Criteria: Myriad Autosomal Dominant, Autosomal Recessive and X-Linked Classification Criteria (2023). Collection method: clinical testing. Allele origin: unknown.
Comment: This variant is considered benign. This variant is a silent/synonymous amino acid change and it is not expected to impact splicing.

German Consortium for Hereditary Breast and Ovarian Cancer, University Hospital Cologne
Classification: Likely benign for Hereditary breast ovarian cancer syndrome. Last evaluated: 2024-05-14. Review status: criteria provided, single submitter. Criteria: ACMG Guidelines, 2015. Collection method: curation. Allele origin: germline.
Comment: According to the ACMG SVI adaptation criteria we chose these criteria: BP4 (supporting benign): SpliceAI: 0.0, BP7 (supporting benign): A synonymous variant for which splicing prediction algorithms predict no impact to thesplice consensus sequence nor the creation of a new splice site AND the nucleotide is not highly conserved

Department of Pathology and Laboratory Medicine, Sinai Health System
Classification: Likely benign for Hereditary breast ovarian cancer syndrome. Last evaluated: 2023-09-22. Review status: criteria provided, single submitter. Criteria: ACMG Guidelines, 2015. Collection method: clinical testing. Allele origin: germline. Affected: yes.

CHEO Genetics Diagnostic Laboratory, Children's Hospital of Eastern Ontario
Classification: Likely benign for Breast and/or ovarian cancer. Last evaluated: 2023-06-29. Review status: criteria provided, single submitter. Criteria: ACMG Guidelines, 2015. Collection method: clinical testing. Allele origin: germline.

Sema4
Classification: Likely benign for Hereditary cancer-predisposing syndrome. Last evaluated: 2022-02-07. Review status: criteria provided, single submitter. Criteria: Sema4 Curation Guidelines. Collection method: curation. Allele origin: germline.

Genetic Services Laboratory, University of Chicago
Classification: Likely benign. Last evaluated: 2019-09-20. Review status: criteria provided, single submitter. Criteria: ACMG Guidelines, 2015. Collection method: clinical testing. Allele origin: germline. Affected: no.

GeneDx
Classification: Likely benign. Last evaluated: 2019-04-01. Review status: criteria provided, single submitter. Criteria: GeneDx Variant Classification Process June 2021. Collection method: clinical testing. Allele origin: germline. Affected: yes.

Color Diagnostics, LLC DBA Color Health
Classification: Likely benign for Hereditary cancer-predisposing syndrome. Last evaluated: 2016-06-20. Review status: criteria provided, single submitter. Criteria: ACMG Guidelines, 2015. Collection method: clinical testing. Allele origin: germline.

Ambry Genetics
Classification: Likely benign for Hereditary cancer-predisposing syndrome. Last evaluated: 2014-10-08. Review status: criteria provided, single submitter. Criteria: Ambry Variant Classification Scheme 2023. Collection method: clinical testing. Allele origin: germline.